The following is an entry in ClinVar:

ClinVar aggregate classification (germline): Uncertain significance (1 of 4 stars; one submission).

Conditions:
Focal segmental glomerulosclerosis 5 (FSGS5). Identifiers: Orphanet 656, MedGen C2750475, MONDO:0013191, OMIM 613237.
Charcot-Marie-Tooth disease dominant intermediate E. Also called: CHARCOT-MARIE-TOOTH NEUROPATHY WITH FOCAL SEGMENTAL GLOMERULONEPHRITIS. Identifiers: Orphanet 93114, MedGen C4302667, MONDO:0013758, OMIM 614455.

Submission:

Labcorp Genetics (formerly Invitae), Labcorp
Classification: Uncertain significance for Charcot-Marie-Tooth disease dominant intermediate E; Focal segmental glomerulosclerosis 5. Last evaluated: 2025-11-23. Review status: criteria provided, single submitter. Criteria: Invitae Variant Classification Sherloc (09022015). Collection method: clinical testing. Allele origin: germline.
Comment: This sequence change replaces serine, which is neutral and polar, with glycine, which is neutral and non-polar, at codon 120 of the INF2 protein (p.Ser120Gly). This variant is not present in population databases (gnomAD no frequency). This variant has not been reported in the literature in individuals affected with INF2-related conditions. Invitae Evidence Modeling of protein sequence and biophysical properties (such as structural, functional, and spatial information, amino acid conservation, physicochemical variation, residue mobility, and thermodynamic stability) indicates that this missense variant is not expected to disrupt INF2 protein function with a negative predictive value of 95%. In summary, the available evidence is currently insufficient to determine the role of this variant in disease. Therefore, it has been classified as a Variant of Uncertain Significance.

NM_022489.4(INF2):c.358A>G (p.Ser120Gly)

Gene: INF2 (inverted formin 2; plus strand). Cytogenetic location: 14q32.33.
Variant type: single nucleotide variant.
Coding change: c.358A>G on transcript NM_022489.4 (MANE Select); coding-DNA position 358, A replaced by G.
Protein change: p.Ser120Gly; replaces serine 120 with glycine.
Molecular consequence: missense variant. On other transcripts: non-coding transcript variant (1).
Genome position (GRCh38, 1-based): chr14:104,701,723, A>G. VCF-style: chr14-104701723-A-G. GRCh37 (hg19) VCF-style: chr14-105168060-A-G.
Other names: c.358A>G, p.Ser120Gly (NM_001031714.4, NM_001426862.1, NM_001426863.1 and 6 more transcripts); short protein forms S120G.
Identifiers: ClinVar variation 4789551 (VCV004789551.1).
Genomic context (GRCh38, chr14:104,701,723, plus strand): 5'-ACCTGCGTCAGCTGCGTGCGCGCCGTCATGAACTCGCGGCAGGGCATCGAGTACATCCTC[A>G]GCAACCAGGGCTACGTGCGCCAGCTCTCCCAGGGTGAGCCGCAGTGTGGGAGGGCCGCCC-3'
Protein context (NP_071934.3, residues 110-130): NSRQGIEYIL[Ser120Gly]NQGYVRQLSQ